The following is an entry in ClinVar:

NM_021930.6(RINT1):c.1887-3C>T

Genes: EFCAB10 (EF-hand calcium binding domain 10; minus strand), RINT1 (RAD50 interactor 1; plus strand). Cytogenetic location: 7q22.3.
Variant type: single nucleotide variant.
Coding change: c.1887-3C>T on transcript NM_021930.6 (MANE Select); 3 bases into the intron before coding-DNA position 1887, C replaced by T.
Molecular consequence: intron variant. On other transcripts: 3 prime UTR variant (3).
Genome position (GRCh38, 1-based): chr7:105,565,274, C>T. VCF-style: chr7-105565274-C-T. GRCh37 (hg19) VCF-style: chr7-105205721-C-T.
Other names: c.*173G>A (NM_001355526.2); c.*275G>A (NM_001355530.2); c.*128G>A (NM_001355531.2); c.864-3C>T (NM_001346600.2, NM_001346603.2); c.963-3C>T (NM_001346601.2); c.1653-3C>T (NM_001346599.2).
Identifiers: ClinVar variation 1781987 (VCV001781987.2), dbSNP rs772098271, ClinGen allele CA4426805.
Genomic context (GRCh38, chr7:105,565,274, plus strand): 5'-GATTTAAAAACTTGAAAAATAGAAACTGATGAAAATTTTTTGGTAAAAATGTGTTTTTTC[C>T]AGATGGTTGTCCTTGCCATCTCAGTCAGAGCAGGCAGTGATGTCCCTGTCCAGTTCGGCT-3'

ClinVar aggregate classification (germline): Uncertain significance (1 of 4 stars; one submission).

Allele frequency attached by ClinVar (database versions not stated): TOPMed below 0.00001; ExAC 0.00001; gnomAD 0.00001; gnomAD exomes 0.00001.
gnomAD v4.1: 12 of 1,557,440 alleles (0.00077%); highest among the groups gnomAD compares: Non-Finnish European, 0.001%; no homozygotes.

Submission:

Ambry Genetics
Classification: Uncertain significance. Last evaluated: 2021-03-09. Review status: criteria provided, single submitter. Criteria: Ambry Variant Classification Scheme 2023. Collection method: clinical testing. Allele origin: germline.
Comment: The c.1887-3C>T intronic variant results from a C to T substitution 3 nucleotides upstream from coding exon 13 in the RINT1 gene. This nucleotide position is well conserved in available vertebrate species. In silico splice site analysis predicts that this alteration will not have any significant effect on splicing. Since supporting evidence is limited at this time, the clinical significance of this alteration remains unclear.